The following is an entry in ClinVar:

ClinVar aggregate classification (germline): Uncertain significance (1 of 4 stars; one submission).

Submission:

Women's Health and Genetics/Laboratory Corporation of America, LabCorp
Classification: Uncertain significance. Last evaluated: 2023-01-06. Review status: criteria provided, single submitter. Criteria: LabCorp Variant Classification Summary - May 2015. Collection method: clinical testing. Allele origin: germline.
Comment: Variant summary: TSEN34 c.488-2A>C is located in a canonical splice-site and is predicted to affect mRNA splicing resulting in a significantly altered protein due to either exon skipping, shortening, or inclusion of intronic material. Several computational tools predict a significant impact on normal splicing: Four predict the variant abolishes a 3' acceptor site. However, these predictions have yet to be confirmed by functional studies. Additonally, very few loss-of-function variants have been reported in HGMD/Clinvar. The variant was absent in 248124 control chromosomes. To our knowledge, no occurrence of c.488-2A>C in individuals affected with Pontocerebellar Hypoplasia, Type 2C and no experimental evidence demonstrating its impact on protein function have been reported. No clinical diagnostic laboratories have submitted clinical-significance assessments for this variant to ClinVar after 2014. Based on the evidence outlined above, the variant was classified as VUS.

NM_001077446.4(TSEN34):c.488-2A>C

Gene: TSEN34 (tRNA splicing endonuclease subunit 34; plus strand). Cytogenetic location: 19q13.42.
Variant type: single nucleotide variant.
Coding change: c.488-2A>C on transcript NM_001077446.4 (MANE Select); the canonical splice acceptor site of the intron before coding-DNA position 488, A replaced by C.
Molecular consequence: splice acceptor variant.
Genome position (GRCh38, 1-based): chr19:54,192,114, A>C. VCF-style: chr19-54192114-A-C. GRCh37 (hg19) VCF-style: chr19-54695965-A-C.
Other names: c.488-2A>C (NM_024075.5, NM_001386740.1, NM_001282333.2 and 1 more transcripts).
Identifiers: ClinVar variation 2429284 (VCV002429284.5), dbSNP rs111329931, ClinGen allele CA407763341.